The following is an entry in ClinVar:

NM_002769.5(PRSS1):c.298G>T (p.Asp100Tyr)

Genes: PRSS1 (serine protease 1; plus strand), TRB (T cell receptor beta locus; plus strand). Cytogenetic location: 7q34.
Variant type: single nucleotide variant.
Coding change: c.298G>T on transcript NM_002769.5 (MANE Select); coding-DNA position 298, G replaced by T.
Protein change: p.Asp100Tyr; replaces aspartic acid 100 with tyrosine.
Molecular consequence: missense variant. On other transcripts: non-coding transcript variant (4).
Genome position (GRCh38, 1-based): chr7:142,751,871, G>T. VCF-style: chr7-142751871-G-T. GRCh37 (hg19) VCF-style: chr7-142459722-G-T.
Other names: short protein forms D100Y.
Identifiers: ClinVar variation 1798507 (VCV001798507.9), dbSNP rs199507985, ClinGen allele CA369608713.

ClinVar aggregate classification (germline): Uncertain significance. Review status: criteria provided, multiple submitters, no conflicts (2 of 4 stars). 2 submissions from 2 submitters: Uncertain significance (2). Last evaluated 2025-07-21.

Conditions:
Hereditary pancreatitis (PCTT). Also called: Hereditary chronic pancreatitis; PRSS1-Related Hereditary Pancreatitis. Identifiers: Orphanet 676, MedGen C0238339, MONDO:0008185, OMIM 167800.

gnomAD v4.1: 2 of 1,434,124 alleles (0.00014%); no homozygotes.

Submissions (3):

Labcorp Genetics (formerly Invitae), Labcorp
Classification: Uncertain significance for Hereditary pancreatitis. Last evaluated: 2025-07-21. Review status: criteria provided, single submitter. Criteria: Invitae Variant Classification Sherloc (09022015). Collection method: clinical testing. Allele origin: germline.
Comment: This sequence change replaces aspartic acid, which is acidic and polar, with tyrosine, which is neutral and polar, at codon 100 of the PRSS1 protein (p.Asp100Tyr). This variant is not present in population databases (gnomAD no frequency). This variant has not been reported in the literature in individuals affected with PRSS1-related conditions. ClinVar contains an entry for this variant (Variation ID: 1798507). Invitae Evidence Modeling of protein sequence and biophysical properties (such as structural, functional, and spatial information, amino acid conservation, physicochemical variation, residue mobility, and thermodynamic stability) indicates that this missense variant is not expected to disrupt PRSS1 protein function with a negative predictive value of 80%. In summary, the available evidence is currently insufficient to determine the role of this variant in disease. Therefore, it has been classified as a Variant of Uncertain Significance.

Ambry Genetics
Classification: Uncertain significance for Hereditary pancreatitis. Last evaluated: 2023-12-24. Review status: criteria provided, single submitter. Criteria: Ambry Variant Classification Scheme 2023. Collection method: clinical testing. Allele origin: germline.
Comment: The p.D100Y variant (also known as c.298G>T), located in coding exon 3 of the PRSS1 gene, results from a G to T substitution at nucleotide position 298. The aspartic acid at codon 100 is replaced by tyrosine, an amino acid with highly dissimilar properties. Another alteration affecting the same amino acid, p.D100H (c.298G>C), has been reported in association with hereditary pancreatitis (Tautermann G et al. Digestion, 2001;64:226-32). This amino acid position is poorly conserved in available vertebrate species. In addition, the in silico prediction for this alteration is inconclusive. Since supporting evidence is limited at this time, the clinical significance of this alteration remains unclear.

Dr. Peter K. Rogan Lab, Western University
No classification provided (evidence only). Condition: Thyroid cancer, nonmedullary, 1. Review status: no classification provided. Collection method: in vitro. Allele origin: not applicable. Functional consequence: retained intron. Not counted in ClinVar's aggregate classification.